The following is an entry in ClinVar:

NM_007194.4(CHEK2):c.1598C>G (p.Thr533Arg)

Gene: CHEK2 (checkpoint kinase 2; minus strand). Cytogenetic location: 22q12.1.
Variant type: single nucleotide variant.
Coding change: c.1598C>G on transcript NM_007194.4 (MANE Select); coding-DNA position 1598, C replaced by G.
Protein change: p.Thr533Arg; replaces threonine 533 with arginine.
Molecular consequence: missense variant.
Genome position (GRCh38, 1-based): chr22:28,687,931, G>C on the plus strand (C>G on the coding strand, the complement: CHEK2 is on the minus strand). VCF-style: chr22-28687931-G-C. GRCh37 (hg19) VCF-style: chr22-29083919-G-C.
Other names: c.1727C>G, p.Thr576Arg (NM_001005735.3); c.935C>G, p.Thr312Arg (NM_001257387.3); c.1397C>G, p.Thr466Arg (NM_001349956.3); c.1511C>G, p.Thr504Arg (NM_145862.3); short protein forms T533R, T504R, T466R, T312R, T576R.
Identifiers: ClinVar variation 576728 (VCV000576728.9), dbSNP rs1569102119, ClinGen allele CA411091092.

ClinVar aggregate classification (germline): Uncertain significance (1 of 4 stars; one submission).

Conditions:
Familial cancer of breast. Also called: hereditary breast carcinoma; BREAST CANCER, FAMILIAL; Hereditary breast cancer. Identifiers: Orphanet 227535, MedGen C0346153, MONDO:0016419, OMIM 114480. Disease mechanism: loss of function.

Submission:

Labcorp Genetics (formerly Invitae), Labcorp
Classification: Uncertain significance for Familial cancer of breast. Last evaluated: 2018-06-18. Review status: criteria provided, single submitter. Criteria: Invitae Variant Classification Sherloc (09022015). Collection method: clinical testing. Allele origin: germline.
Comment: This sequence change replaces threonine with arginine at codon 533 of the CHEK2 protein (p.Thr533Arg). The threonine residue is moderately conserved and there is a moderate physicochemical difference between threonine and arginine. In summary, the available evidence is currently insufficient to determine the role of this variant in disease. Therefore, it has been classified as a Variant of Uncertain Significance. Algorithms developed to predict the effect of missense changes on protein structure and function output the following: SIFT: "Deleterious"; PolyPhen-2: "Benign"; Align-GVGD: "Class C0". The arginine amino acid residue is found in multiple mammalian species, suggesting that this missense change does not adversely affect protein function. These predictions have not been confirmed by published functional studies and their clinical significance is uncertain. This variant has not been reported in the literature in individuals with CHEK2-related disease. This variant is not present in population databases (ExAC no frequency).